The following is an entry in ClinVar:

ClinVar aggregate classification (germline): Uncertain significance (1 of 4 stars; one submission).

Conditions:
Cardiovascular phenotype. Identifiers: MedGen CN230736.

gnomAD v4.1: 4 of 1,612,578 alleles (0.00025%); highest among the groups gnomAD compares: East Asian, 0.0067%; no homozygotes.

Submission:

Ambry Genetics
Classification: Uncertain significance for Cardiovascular phenotype. Last evaluated: 2026-07-06. Review status: criteria provided, single submitter. Criteria: Ambry Variant Classification Scheme 2023. Collection method: clinical testing. Allele origin: germline.
Comment: The p.E254K variant (also known as c.760G>A), located in coding exon 6 of the PRKAG2 gene, results from a G to A substitution at nucleotide position 760. The glutamic acid at codon 254 is replaced by lysine, an amino acid with similar properties. This amino acid position is conserved. In addition, the in silico prediction for this alteration is inconclusive. Based on the available evidence, the clinical significance of this variant remains unclear.

NM_016203.4(PRKAG2):c.760G>A (p.Glu254Lys)

Gene: PRKAG2 (protein kinase AMP-activated non-catalytic subunit gamma 2; minus strand). Cytogenetic location: 7q36.1.
Variant type: single nucleotide variant.
Coding change: c.760G>A on transcript NM_016203.4 (MANE Select); coding-DNA position 760, G replaced by A.
Protein change: p.Glu254Lys; replaces glutamic acid 254 with lysine.
Molecular consequence: missense variant.
Genome position (GRCh38, 1-based): chr7:151,595,449, C>T on the plus strand (G>A on the coding strand, the complement: PRKAG2 is on the minus strand). VCF-style: chr7-151595449-C-T. GRCh37 (hg19) VCF-style: chr7-151292535-C-T.
Other names: c.97G>A, p.Glu33Lys (NM_001407037.1); c.85G>A, p.Glu29Lys (NM_001407038.1); c.34G>A, p.Glu12Lys (NM_001407039.1, NM_001407040.1, NM_001407036.1); c.37G>A, p.Glu13Lys (NM_024429.2, NM_001304531.2, NM_001407034.1 and 1 more transcripts); c.628G>A, p.Glu210Lys (NM_001040633.2, NM_001407024.1); c.385G>A, p.Glu129Lys (NM_001304527.2, NM_001407029.1); c.388G>A, p.Glu130Lys (NM_001363698.2, NM_001407028.1); c.760G>A, p.Glu254Lys (NM_001407021.1); and 6 more; short protein forms E12K, E148K, E157K, E158K, E210K, E129K, E146K, E254K.
Identifiers: ClinVar variation 5027277 (VCV005027277.1).